The following is an entry in ClinVar:

NM_006904.7(PRKDC):c.2453T>C (p.Leu818Pro)

Gene: PRKDC (protein kinase, DNA-activated, catalytic subunit; minus strand). Cytogenetic location: 8q11.21.
Variant type: single nucleotide variant.
Coding change: c.2453T>C on transcript NM_006904.7 (MANE Select); coding-DNA position 2453, T replaced by C.
Protein change: p.Leu818Pro; replaces leucine 818 with proline.
Molecular consequence: missense variant.
Genome position (GRCh38, 1-based): chr8:47,918,350, A>G on the plus strand (T>C on the coding strand, the complement: PRKDC is on the minus strand). VCF-style: chr8-47918350-A-G. GRCh37 (hg19) VCF-style: chr8-48830910-A-G.
Other names: c.2453T>C, p.Leu818Pro (NM_001081640.2); short protein forms L818P.
Identifiers: ClinVar variation 2626356 (VCV002626356.2), dbSNP rs2090021180, ClinGen allele CA371160535.
Genomic context (GRCh38, chr8:47,918,350, plus strand): 5'-TTTGTCTTCTTCAGATGCTTTAACACCACTTTATTAAATCCTTTCTGGGCAGCCCGAGAA[A>G]GAGCTGACACTTCCCAGTTATTCTTGGTCTCATCTATCAATAGTAAACGAAAATAAATTT-3'
Protein context (NP_008835.5, residues 808-828): ETKNNWEVSA[Leu818Pro]SRAAQKGFNK

ClinVar aggregate classification (germline): Uncertain significance (1 of 4 stars; one submission).

Allele frequency attached by ClinVar (database versions not stated): TOPMed below 0.00001.

Submission:

Ambry Genetics
Classification: Uncertain significance. Last evaluated: 2023-08-26. Review status: criteria provided, single submitter. Criteria: Ambry Variant Classification Scheme 2023. Collection method: clinical testing. Allele origin: germline.
Comment: The p.L818P variant (also known as c.2453T>C), located in coding exon 22 of the PRKDC gene, results from a T to C substitution at nucleotide position 2453. The leucine at codon 818 is replaced by proline, an amino acid with similar properties. This amino acid position is conserved. In addition, the in silico prediction for this alteration is inconclusive. Since supporting evidence is limited at this time, the clinical significance of this alteration remains unclear.